The following is an entry in ClinVar:

NM_002734.5(PRKAR1A):c.916C>T (p.Arg306Trp)

Gene: PRKAR1A (protein kinase cAMP-dependent type I regulatory subunit alpha; plus strand). Cytogenetic location: 17q24.2.
Variant type: single nucleotide variant.
Coding change: c.916C>T on transcript NM_002734.5 (MANE Select); coding-DNA position 916, C replaced by T.
Protein change: p.Arg306Trp; replaces arginine 306 with tryptophan.
Molecular consequence: missense variant.
Genome position (GRCh38, 1-based): chr17:68,529,944, C>T. VCF-style: chr17-68529944-C-T. GRCh37 (hg19) VCF-style: chr17-66526085-C-T.
Other names: c.916C>T, p.Arg306Trp (NM_001276289.2, NM_001276290.1, NM_001278433.2 and 4 more transcripts); short protein forms R306W.
Identifiers: ClinVar variation 3783301 (VCV003783301.1).
Genomic context (GRCh38, chr17:68,529,944, plus strand): 5'-GTGTGTTTGTTTAGCTTTTTGGTGATTTTATTATAGGGGTCAGCTGCTGTGCTACAACGT[C>T]GGTCAGAAAATGAAGAGTTTGTTGAAGTGGGAAGATTGGGGCCTTCTGATTATTTTGGTA-3'
Protein context (NP_002725.1, residues 296-316): LEGSAAVLQR[Arg306Trp]SENEEFVEVG

ClinVar aggregate classification (germline): Uncertain significance (1 of 4 stars; one submission).

Conditions:
Hereditary cancer-predisposing syndrome. Also called: Neoplastic Syndromes, Hereditary; Hereditary Cancer Syndrome; Tumor predisposition; Hereditary neoplastic syndrome. Identifiers: Orphanet 140162, MedGen C0027672, MeSH D009386, MONDO:0015356.

Submission:

Ambry Genetics
Classification: Uncertain significance for Hereditary cancer-predisposing syndrome. Last evaluated: 2025-01-23. Review status: criteria provided, single submitter. Criteria: Ambry Variant Classification Scheme 2023. Collection method: clinical testing. Allele origin: germline.
Comment: The p.R306W variant (also known as c.916C>T), located in coding exon 9 of the PRKAR1A gene, results from a C to T substitution at nucleotide position 916. The arginine at codon 306 is replaced by tryptophan, an amino acid with dissimilar properties. This amino acid position is conserved. In addition, the in silico prediction for this alteration is inconclusive. Based on the available evidence, the clinical significance of this variant remains unclear.